The following is an entry in ClinVar:

NM_000228.3(LAMB3):c.2138-1G>A

Gene: LAMB3 (laminin subunit beta 3; minus strand). Cytogenetic location: 1q32.2.
Variant type: single nucleotide variant.
Coding change: c.2138-1G>A on transcript NM_000228.3 (MANE Select); the canonical splice acceptor site of the intron before coding-DNA position 2138, G replaced by A.
Molecular consequence: splice acceptor variant.
Genome position (GRCh38, 1-based): chr1:209,623,726, C>T on the plus strand (G>A on the coding strand, the complement: LAMB3 is on the minus strand). VCF-style: chr1-209623726-C-T. GRCh37 (hg19) VCF-style: chr1-209797071-C-T.
Other names: c.2138-1G>A (NM_001127641.1, NM_001017402.2).
Identifiers: ClinVar variation 1067352 (VCV001067352.9), dbSNP rs1666304645, ClinGen allele CA344588642.

ClinVar aggregate classification (germline): Likely pathogenic. Review status: criteria provided, multiple submitters, no conflicts (2 of 4 stars). 2 submissions from 2 submitters: Likely pathogenic (2). Last evaluated 2024-03-05.

Submissions (2):

Revvity Omics, Revvity
Classification: Likely pathogenic. Last evaluated: 2024-03-05. Review status: criteria provided, single submitter. Criteria: ACMG Guidelines, 2015. Collection method: clinical testing. Allele origin: germline.

Labcorp Genetics (formerly Invitae), Labcorp
Classification: Likely pathogenic. Last evaluated: 2023-11-13. Review status: criteria provided, single submitter. Criteria: Invitae Variant Classification Sherloc (09022015). Collection method: clinical testing. Allele origin: germline.
Comment: This sequence change affects an acceptor splice site in intron 15 of the LAMB3 gene. It is expected to disrupt RNA splicing. Variants that disrupt the donor or acceptor splice site typically lead to a loss of protein function (PMID: 16199547), and loss-of-function variants in LAMB3 are known to be pathogenic (PMID: 11023379, 16473856). This variant is not present in population databases (gnomAD no frequency). This variant has not been reported in the literature in individuals affected with LAMB3-related conditions. ClinVar contains an entry for this variant (Variation ID: 1067352). Algorithms developed to predict the effect of sequence changes on RNA splicing suggest that this variant may disrupt the consensus splice site. In summary, the currently available evidence indicates that the variant is pathogenic, but additional data are needed to prove that conclusively. Therefore, this variant has been classified as Likely Pathogenic.

Literature cited by the submitters: PubMed 16199547 (cited by Labcorp Genetics (formerly Invitae), Labcorp); PubMed 11023379 (cited by Labcorp Genetics (formerly Invitae), Labcorp); PubMed 16473856 (cited by Labcorp Genetics (formerly Invitae), Labcorp).